The following is an entry in ClinVar:

NM_000702.4(ATP1A2):c.2709+5G>C

Gene: ATP1A2 (ATPase Na+/K+ transporting subunit alpha 2; plus strand). Cytogenetic location: 1q23.2.
Variant type: single nucleotide variant.
Coding change: c.2709+5G>C on transcript NM_000702.4 (MANE Select); 5 bases into the intron after coding-DNA position 2709, G replaced by C.
Molecular consequence: intron variant.
Genome position (GRCh38, 1-based): chr1:160,136,720, G>C. VCF-style: chr1-160136720-G-C. GRCh37 (hg19) VCF-style: chr1-160106510-G-C.
Identifiers: ClinVar variation 2105550 (VCV002105550.4), dbSNP rs2524891330, ClinGen allele CA2580061291.

ClinVar aggregate classification (germline): Uncertain significance (1 of 4 stars; one submission).

Conditions:
Familial hemiplegic migraine. Identifiers: MedGen C0338484, MONDO:0000700.

Submission:

Labcorp Genetics (formerly Invitae), Labcorp
Classification: Uncertain significance for Familial hemiplegic migraine. Last evaluated: 2022-03-01. Review status: criteria provided, single submitter. Criteria: Invitae Variant Classification Sherloc (09022015). Collection method: clinical testing. Allele origin: germline.
Comment: This variant has not been reported in the literature in individuals affected with ATP1A2-related conditions. Variants that disrupt the consensus splice site are a relatively common cause of aberrant splicing (PMID: 17576681, 9536098). Algorithms developed to predict the effect of sequence changes on RNA splicing suggest that this variant may disrupt the consensus splice site. In summary, the available evidence is currently insufficient to determine the role of this variant in disease. Therefore, it has been classified as a Variant of Uncertain Significance. This variant is not present in population databases (gnomAD no frequency). This sequence change falls in intron 19 of the ATP1A2 gene. It does not directly change the encoded amino acid sequence of the ATP1A2 protein. It affects a nucleotide within the consensus splice site.

Literature cited by the submitters: PubMed 17576681; PubMed 9536098.